The following is an entry in ClinVar:

ClinVar aggregate classification (germline): Uncertain significance (1 of 4 stars; one submission).

Conditions:
Autosomal recessive axonal neuropathy with neuromyotonia (NMAN). Also called: Gamstorp-Wohlfart syndrome; MYOKYMIA, MYOTONIA, AND MUSCLE WASTING; Neuromyotonia and axonal neuropathy, autosomal recessive. Identifiers: Orphanet 324442, MedGen C5700127, MONDO:0007646, OMIM 137200.

Allele frequency attached by ClinVar (database versions not stated): gnomAD exomes below 0.00001.
gnomAD v4.1: 3 of 1,613,446 alleles (0.00019%); highest among the groups gnomAD compares: Non-Finnish European, 0.00025%; no homozygotes.

Submission:

Labcorp Genetics (formerly Invitae), Labcorp
Classification: Uncertain significance for Autosomal recessive axonal neuropathy with neuromyotonia. Last evaluated: 2022-11-08. Review status: criteria provided, single submitter. Criteria: Invitae Variant Classification Sherloc (09022015). Collection method: clinical testing. Allele origin: germline.
Comment: This sequence change replaces proline, which is neutral and non-polar, with threonine, which is neutral and polar, at codon 28 of the HINT1 protein (p.Pro28Thr). In summary, the available evidence is currently insufficient to determine the role of this variant in disease. Therefore, it has been classified as a Variant of Uncertain Significance. Algorithms developed to predict the effect of missense changes on protein structure and function are either unavailable or do not agree on the potential impact of this missense change (SIFT: "Deleterious"; PolyPhen-2: "Benign"; Align-GVGD: "Class C0"). ClinVar contains an entry for this variant (Variation ID: 1436145). This variant has not been reported in the literature in individuals affected with HINT1-related conditions. The frequency data for this variant in the population databases is considered unreliable, as metrics indicate poor data quality at this position in the gnomAD database.

NM_005340.7(HINT1):c.82C>A (p.Pro28Thr)

Gene: HINT1 (histidine triad nucleotide binding protein 1; minus strand). Cytogenetic location: 5q23.3.
Variant type: single nucleotide variant.
Coding change: c.82C>A on transcript NM_005340.7 (MANE Select); coding-DNA position 82, C replaced by A.
Protein change: p.Pro28Thr; replaces proline 28 with threonine.
Molecular consequence: missense variant. On other transcripts: non-coding transcript variant (5).
Genome position (GRCh38, 1-based): chr5:131,165,124, G>T on the plus strand (C>A on the coding strand, the complement: HINT1 is on the minus strand). VCF-style: chr5-131165124-G-T. GRCh37 (hg19) VCF-style: chr5-130500817-G-T.
Other names: short protein forms P28T.
Identifiers: ClinVar variation 1436145 (VCV001436145.6), dbSNP rs1300880074, ClinGen allele CA360839043.